The following is an entry in ClinVar:

ClinVar aggregate classification (germline): Likely pathogenic (1 of 4 stars; one submission).

Conditions:
HYAL2 Deficiency. Identifiers: MedGen CN381107.

Submission:

Equipe Genetique des Anomalies du Developpement, Université de Bourgogne
Classification: Likely pathogenic for HYAL2 deficiency. Last evaluated: 2024-06-20. Review status: criteria provided, single submitter. Criteria: ACMG Guidelines, 2015. Collection method: clinical testing. Allele origin: maternal. Affected: yes.
Comment: Biallelic missense variants in HYAL2 have been linked to hyaluronidase type 2 deficit (PMID 37733894, 39056785). This variant is not present in population database gnomAD (v4.1.0). It has not been reported in ClinVar. It has not been reported in literature. Based on the evidence outlined above, the variant was classified as likely pathogenic.

Literature cited by the submitters: PubMed 37733894; PubMed 39056785.

NM_003773.5(HYAL2):c.782C>T (p.Ser261Phe)

Gene: HYAL2 (hyaluronidase 2; minus strand). Cytogenetic location: 3p21.31.
Variant type: single nucleotide variant.
Coding change: c.782C>T on transcript NM_003773.5 (MANE Select); coding-DNA position 782, C replaced by T.
Protein change: p.Ser261Phe; replaces serine 261 with phenylalanine.
Molecular consequence: missense variant.
Genome position (GRCh38, 1-based): chr3:50,319,708, G>A on the plus strand (C>T on the coding strand, the complement: HYAL2 is on the minus strand). VCF-style: chr3-50319708-G-A. GRCh37 (hg19) VCF-style: chr3-50357139-G-A.
Other names: c.782C>T, p.Ser261Phe (NM_033158.5); short protein forms S261F.
Identifiers: ClinVar variation 3375477 (VCV003375477.2).